The following is an entry in ClinVar:

NM_001267550.2(TTN):c.2909del (p.Pro970fs)

Gene: TTN (titin; minus strand). Cytogenetic location: 2q31.2.
Variant type: Deletion.
Coding change: c.2909del on transcript NM_001267550.2 (MANE Select); coding-DNA position 2909, one base deleted (C; older notation c.2909delC).
Protein change: p.Pro970fs; shifts the reading frame from proline 970.
Molecular consequence: frameshift variant.
Genome position (GRCh38, 1-based): chr2:178,782,997, G deleted on the plus strand (C on the coding strand, the reverse complement: TTN is on the minus strand); the first of 3 consecutive G bases (chr2:178,782,997-178,782,999); deleting any one gives the same sequence. VCF-style (leftmost placement, unchanged base first): chr2-178782996-TG-T. GRCh37 (hg19) VCF-style: chr2-179647723-TG-T.
Other names: c.2909del, p.Pro970fs (NM_001256850.1, NM_133378.4, NM_133379.5); c.2771del, p.Pro924fs (NM_003319.4, NM_133432.3, NM_133437.4); short protein forms P924fs, P970fs.
Identifiers: ClinVar variation 3755909 (VCV003755909.2).

ClinVar aggregate classification (germline): Likely pathogenic (1 of 4 stars; one submission).

Conditions:
Dilated cardiomyopathy 1G (CMD1G). Identifiers: Orphanet 154, MedGen C1858763, MONDO:0011400, OMIM 604145.
Autosomal recessive limb-girdle muscular dystrophy type 2J (LGMDR10). Also called: Limb-girdle muscular dystrophy, type 2J; MUSCULAR DYSTROPHY, LIMB-GIRDLE, AUTOSOMAL RECESSIVE 10. Identifiers: Orphanet 140922, MedGen C1837342, MONDO:0012127, OMIM 608807.

Submission:

Labcorp Genetics (formerly Invitae), Labcorp
Classification: Likely pathogenic for Dilated cardiomyopathy 1G; Autosomal recessive limb-girdle muscular dystrophy type 2J. Last evaluated: 2024-04-17. Review status: criteria provided, single submitter. Criteria: Invitae Variant Classification Sherloc (09022015). Collection method: clinical testing. Allele origin: germline.
Comment: This sequence change creates a premature translational stop signal (p.Pro970Hisfs*5) in the TTN gene. While this is not anticipated to result in nonsense mediated decay, it is expected to create a truncated TTN protein. This variant is not present in population databases (gnomAD no frequency). This variant has not been reported in the literature in individuals affected with TTN-related conditions. This variant is located in the Z band of TTN (PMID: 25589632). Truncating variants in this region have been reported in individuals affected with autosomal recessive centronuclear myopathy (PMID: 33449170, Invitae internal data). Truncating variants in this region have also been identified in individuals affected with autosomal dominant dilated cardiomyopathy and/or cardio-related conditions (PMID: 27869827, 32964742, Invitae internal data). In summary, the currently available evidence indicates that the variant is pathogenic, but additional data are needed to prove that conclusively. Therefore, this variant has been classified as Likely Pathogenic.

Literature cited by the submitters: PubMed 25589632; PubMed 33449170; PubMed 27869827; PubMed 32964742.